The following continues an entry in ClinVar:

NM_000059.4(BRCA2):c.7871A>G (p.Tyr2624Cys)

Gene: BRCA2. ClinVar aggregate classification (germline): Uncertain significance. Uncertain significance (1).

Submissions 7 to 15 of 15:

Quest Diagnostics Nichols Institute San Juan Capistrano
Classification: Likely pathogenic. Last evaluated: 2025-03-26. Review status: criteria provided, single submitter. Criteria: Quest Diagnostics criteria. Collection method: clinical testing. Allele origin: unknown. Not counted in ClinVar's aggregate classification.
Comment: The BRCA2 c.7871A>G (p.Tyr2624Cys) variant has been reported in the published literature in individuals with breast cancer (PMIDs: 26689913 (2015), 25682074 (2015), 16758124 (2006)), hereditary breast/ovarian cancer syndrome (PMID: 34572941 (2021)), and idiopathic cytopenia (PMID: 37216690 (2023)). In a large scale case-control study, this variant was observed in an additional individual with breast cancer and in two reportedly unaffected individuals (PMID: 33471991 (2021), see LOVD). Functional studies indicate this variant has deleterious effects on DNA homology-directed repair (HDR) activity in vivo (PMIDs: 33609447 (2021), 29884841 (2019)). This variant also showed damaging effects in a saturation genome editing assay measuring DNA repair-dependent cell survival (PMIDs: 39779848 (2025)). The frequency of this variant in the general population (Genome Aggregation Database) is uninformative in the assessment of its pathogenicity. Analysis of this variant using bioinformatics tools for the prediction of the effect of amino acid changes on protein structure and function yielded predictions that this variant is damaging. Based on the available information, this variant is classified as likely pathogenic.

Baylor Genetics
Classification: Uncertain significance for Familial cancer of breast. Last evaluated: 2024-02-21. Review status: criteria provided, single submitter. Criteria: ACMG Guidelines, 2015. Collection method: clinical testing. Allele origin: unknown. Not counted in ClinVar's aggregate classification.

CeGaT Center for Human Genetics Tuebingen
Classification: Uncertain significance. Last evaluated: 2024-02-01. Review status: criteria provided, single submitter. Criteria: CeGaT Center For Human Genetics Tuebingen Variant Classification Criteria Version 2. Collection method: clinical testing. Allele origin: germline. Affected: yes. Observed: 1 variant allele. Not counted in ClinVar's aggregate classification.
Comment: BRCA2: PM1, PM5, PM2:Supporting, PS3:Supporting, BP1

ARUP Laboratories, Molecular Genetics and Genomics, ARUP Laboratories
Classification: Likely pathogenic. Last evaluated: 2023-02-17. Review status: criteria provided, single submitter. Criteria: ARUP Molecular Germline Variant Investigation Process 2024. Collection method: clinical testing. Allele origin: germline. Not counted in ClinVar's aggregate classification.
Comment: The BRCA2 c.7871A>G; p.Tyr2624Cys variant (rs431825358), is reported in individuals with hereditary breast and ovarian cancer syndrome (Infante 2006, Patruno 2021, Wong-Brown 2015). Homology-directed repair functional assays showed this variant to be non-functional (Richardson 2021). This variant is also reported in ClinVar (Variation ID: 96860). It is only found on one allele in the Genome Aggregation Database, indicating it is not a common polymorphism. Computational analyses predict that this variant is deleterious (REVEL: 0.903). Based on available information, this variant is considered to be likely pathogenic. References: Infante M et al. High proportion of novel mutations of BRCA1 and BRCA2 in breast/ovarian cancer patients from Castilla-Leon (central Spain). J Hum Genet. 2006;51(7):611-7. PMID: 16758124. Patruno M et al. Spectrum of Germline Pathogenic Variants in BRCA1/2 Genes in the Apulian Southern Italy Population: Geographic Distribution and Evidence for Targeted Genetic Testing. Cancers (Basel). 2021 Sep 21;13(18):4714. PMID: 34572941. Richardson ME et al. Strong functional data for pathogenicity or neutrality classify BRCA2 DNA-binding-domain variants of uncertain significance. Am J Hum Genet. 2021 Mar 4;108(3):458-468. PMID: 33609447. Wong-Brown MW et al. Prevalence of BRCA1 and BRCA2 germline mutations in patients with triple-negative breast cancer. Breast Cancer Res Treat. 2015 Feb;150(1):71-80. PMID: 25682074.

Women's Health and Genetics/Laboratory Corporation of America, LabCorp
Classification: Uncertain significance. Last evaluated: 2022-12-09. Review status: criteria provided, single submitter. Criteria: LabCorp Variant Classification Summary - May 2015. Collection method: clinical testing. Allele origin: germline. Not counted in ClinVar's aggregate classification.
Comment: Variant summary: BRCA2 c.7871A>G (p.Tyr2624Cys) results in a non-conservative amino acid change located in the helical domain (IPR015252) of the encoded protein sequence. This domain binds the 70-amino acid DSS1 (deleted in split-hand/split foot syndrome) protein. Five of five in-silico tools predict a damaging effect of the variant on protein function. The variant allele was found at a frequency of 4e-06 in 251290 control chromosomes. The available data on variant occurrences in the general population are insufficient to allow any conclusion about variant significance. c.7871A>G has been reported in the literature in individuals affected with Hereditary Breast and Ovarian Cancer (Infante 2006, Wong-Brown 2015). These reports do not provide unequivocal conclusions about association of the variant with Hereditary Breast and Ovarian Cancer. The variant was reported to be non-functional in HDR assays (Hart_2019, Richardson_2021). Eight clinical diagnostic laboratories have submitted clinical-significance assessments for this variant to ClinVar after 2014 without evidence for independent evaluation. All laboratories classified the variant as uncertain significance. Based on the evidence outlined above, the variant was classified as VUS - possibly pathogenic.

Mendelics
Classification: Uncertain significance. Last evaluated: 2022-05-04. Review status: criteria provided, single submitter. Criteria: Mendelics Assertion Criteria 2019. Collection method: clinical testing. Allele origin: germline. Not counted in ClinVar's aggregate classification.

CHEO Genetics Diagnostic Laboratory, Children's Hospital of Eastern Ontario
Classification: Uncertain significance for Breast and/or ovarian cancer. Last evaluated: 2018-10-03. Review status: criteria provided, single submitter. Criteria: ACMG Guidelines, 2015. Collection method: clinical testing. Allele origin: germline. Not counted in ClinVar's aggregate classification.

GeneDx
Classification: Uncertain significance. Last evaluated: 2017-11-13. Review status: criteria provided, single submitter. Criteria: GeneDx Variant Classification (06012015). Collection method: clinical testing. Allele origin: germline. Affected: yes. Not counted in ClinVar's aggregate classification.
Comment: This variant is denoted BRCA2 c.7871A>G at the cDNA level, p.Tyr2624Cys (Y2624C) at the protein level, and results in the change of a Tyrosine to a Cysteine (TAT>TGT). Using alternate nomenclature, this variant has been previously published as BRCA2 8099A>G. This variant was observed in at least two individuals with breast cancer (Infante 2006, Wong-Brown 2015). BRCA2 Tyr2624Cys was not observed in large population cohorts (Lek 2016). Since Tyrosine and Cysteine differ in polarity, charge, size or other properties, this is considered a non-conservative amino acid substitution. BRCA2 Tyr2624Cys is located within the DNA binding domain (Yang 2002). In-silico analyses, including protein predictors and evolutionary conservation, support that this variant does not alter protein structure or function. Based on currently available evidence, it is unclear whether BRCA2 Tyr2624Cys is a pathogenic or benign variant. We consider it to be a variant of uncertain significance.

Sharing Clinical Reports Project (SCRP)
Classification: Uncertain significance for Breast-ovarian cancer, familial 2. Last evaluated: 2012-05-01. Review status: no assertion criteria provided. Collection method: clinical testing. Allele origin: germline. Not counted in ClinVar's aggregate classification.

Literature cited by the submitters: PubMed 16758124 (cited by 5 submitters); PubMed 25682074 (cited by 4 submitters); PubMed 26689913 (cited by 4 submitters); PubMed 31131967 (cited by 3 submitters); PubMed 33609447 (cited by 5 submitters); PubMed 29884841 (cited by 5 submitters); PubMed 31853058 (cited by Color Diagnostics, LLC DBA Color Health); PubMed 33471991 (cited by Color Diagnostics, LLC DBA Color Health and Quest Diagnostics Nichols Institute San Juan Capistrano); PubMed 34572941 (cited by 3 submitters); PubMed 39779848 (cited by Color Diagnostics, LLC DBA Color Health and Quest Diagnostics Nichols Institute San Juan Capistrano); PubMed 39779857 (cited by Color Diagnostics, LLC DBA Color Health); PubMed 12228710 (cited by Ambry Genetics); PubMed 37216690 (cited by Quest Diagnostics Nichols Institute San Juan Capistrano).